The following is an entry in ClinVar:

NM_017576.4(KIF27):c.1973G>A (p.Gly658Glu)

Gene: KIF27 (kinesin family member 27; minus strand). Cytogenetic location: 9q21.32.
Variant type: single nucleotide variant.
Coding change: c.1973G>A on transcript NM_017576.4 (MANE Select); coding-DNA position 1973, G replaced by A.
Protein change: p.Gly658Glu; replaces glycine 658 with glutamic acid.
Molecular consequence: missense variant.
Genome position (GRCh38, 1-based): chr9:83,889,090, C>T on the plus strand (G>A on the coding strand, the complement: KIF27 is on the minus strand). VCF-style: chr9-83889090-C-T. GRCh37 (hg19) VCF-style: chr9-86504005-C-T.
Other names: c.1973G>A, p.Gly658Glu (NM_001271927.3, NM_001271928.3, NM_001354069.2); c.533G>A, p.Gly178Glu (NM_001354070.2, NM_001354071.2); short protein forms G658E, G178E.
Identifiers: ClinVar variation 403015 (VCV000403015.5), dbSNP rs13289566, ClinGen allele CA5103037.
Genomic context (GRCh38, chr9:83,889,090, plus strand): 5'-TTATTGCAGCATATAATTCTAAATATTTATTAAATCAGTGTATATTTAACATACCTAGTT[C>T]CAGATTTCTCTTGGCCTTCTGATTCTTCATCATCACTGTTATCAGAAAATTGGCAGTGGA-3'
Protein context (NP_060046.1, residues 648-668): DEESEGQEKS[Gly658Glu]TRCRSRSWIQ

ClinVar aggregate classification (germline): Benign. Review status: criteria provided, multiple submitters, no conflicts (2 of 4 stars). 2 submissions from 2 submitters: Benign (2). Last evaluated 2016-03-29.

Allele frequency attached by ClinVar (database versions not stated): 1000 Genomes Project 0.17472; 1000 Genomes Project 30x 0.17614; gnomAD exomes 0.19116 and 0.20417; ExAC 0.20069; TOPMed 0.20727; gnomAD 0.21161 and 0.21442; ESP Exome Variant Server 0.22850.
gnomAD v4.1: 328,508 of 1,604,476 alleles (20%); highest among the groups gnomAD compares: Middle Eastern, 27%; 30,432 homozygotes.

Submissions (2):

Laboratory for Molecular Medicine, Mass General Brigham Personalized Medicine
Classification: Benign. Last evaluated: 2016-03-29. Review status: criteria provided, single submitter. Criteria: LMM Criteria. Collection method: clinical testing. Allele origin: germline.
Comment: Variant identified in a genome or exome case(s) and assessed due to predicted null impact of the variant or pathogenic assertions in the literature or databases. Disclaimer: This variant has not undergone full assessment. The following are preliminary notes: Frequency

Breakthrough Genomics
Classification: Benign. Review status: criteria provided, single submitter. Criteria: ACMG Guidelines, 2015. Collection method: not provided. Allele origin: germline. Inheritance: Unknown mechanism. Affected: yes.